The following is an entry in ClinVar:

NM_000257.4(MYH7):c.441G>C (p.Arg147Ser)

Gene: MYH7 (myosin heavy chain 7; minus strand). Cytogenetic location: 14q11.2.
Variant type: single nucleotide variant.
Coding change: c.441G>C on transcript NM_000257.4 (MANE Select); coding-DNA position 441, G replaced by C.
Protein change: p.Arg147Ser; replaces arginine 147 with serine.
Molecular consequence: missense variant.
Genome position (GRCh38, 1-based): chr14:23,432,700, C>G on the plus strand (G>C on the coding strand, the complement: MYH7 is on the minus strand). VCF-style: chr14-23432700-C-G. GRCh37 (hg19) VCF-style: chr14-23901909-C-G.
Other names: short protein forms R147S.
Identifiers: ClinVar variation 643664 (VCV000643664.8), dbSNP rs1595090589, ClinGen allele CA389052814.
Genomic context (GRCh38, chr14:23,432,700, plus strand): 5'-TGTCAGCATGTACTGATAGGCGTTGTCGGAGATGGAGAAGATGTGGGGCGGGGCCTCGCT[C>G]CTCTTCTTGCCCCGGTAGGCAGCCACCACCTCAGGAGTGTACACCGGCAGCCACTTGTAA-3'
Protein context (NP_000248.2, residues 137-157): EVVAAYRGKK[Arg147Ser]SEAPPHIFSI

ClinVar aggregate classification (germline): Uncertain significance (1 of 4 stars; one submission).

Conditions:
Hypertrophic cardiomyopathy. Also called: HYPERTROPHIC MYOCARDIOPATHY. Identifiers: Orphanet 217569, MedGen C0007194, MeSH D002312, MONDO:0005045, HP:0001639.

Submission:

Labcorp Genetics (formerly Invitae), Labcorp
Classification: Uncertain significance for Hypertrophic cardiomyopathy. Last evaluated: 2023-06-29. Review status: criteria provided, single submitter. Criteria: Invitae Variant Classification Sherloc (09022015). Collection method: clinical testing. Allele origin: germline.
Comment: In summary, the available evidence is currently insufficient to determine the role of this variant in disease. Therefore, it has been classified as a Variant of Uncertain Significance. Advanced modeling of protein sequence and biophysical properties (such as structural, functional, and spatial information, amino acid conservation, physicochemical variation, residue mobility, and thermodynamic stability) performed at Invitae indicates that this missense variant is expected to disrupt MYH7 protein function. ClinVar contains an entry for this variant (Variation ID: 643664). This missense change has been observed in individual(s) with hypertrophic cardiomyopathy (PMID: 25086479). This variant is not present in population databases (gnomAD no frequency). This sequence change replaces arginine, which is basic and polar, with serine, which is neutral and polar, at codon 147 of the MYH7 protein (p.Arg147Ser).

Literature cited by the submitters: PubMed 25086479.